The following is an entry in ClinVar:

NM_017837.4(PIGV):c.785A>G (p.Gln262Arg)

Gene: PIGV (phosphatidylinositol glycan anchor biosynthesis class V; plus strand). Cytogenetic location: 1p36.11.
Variant type: single nucleotide variant.
Coding change: c.785A>G on transcript NM_017837.4 (MANE Select); coding-DNA position 785, A replaced by G.
Protein change: p.Gln262Arg; replaces glutamine 262 with arginine.
Molecular consequence: missense variant. On other transcripts: non-coding transcript variant (1), intron variant (3).
Genome position (GRCh38, 1-based): chr1:26,794,819, A>G. VCF-style: chr1-26794819-A-G. GRCh37 (hg19) VCF-style: chr1-27121310-A-G.
Other names: c.785A>G, p.Gln262Arg (NM_001202554.2, NM_001374478.1, NM_001374480.1 and 2 more transcripts); c.404A>G, p.Gln135Arg (NM_001374483.1); c.173-15A>G (NM_001374484.1, NM_001374485.1); c.79-2744A>G (NM_001374486.1); c.785A>G (NM_017837.3); short protein forms Q135R, Q262R.
Identifiers: ClinVar variation 1900506 (VCV001900506.6), dbSNP rs374660153, ClinGen allele CA708115.

ClinVar aggregate classification (germline): Uncertain significance. Review status: criteria provided, multiple submitters, no conflicts (2 of 4 stars). 3 submissions from 3 submitters: Uncertain significance (3). Last evaluated 2025-08-31.

Conditions:
Inborn genetic diseases. Identifiers: MedGen C0950123, MeSH D030342.

Allele frequency attached by ClinVar (database versions not stated): ExAC 0.00001; gnomAD 0.00001; TOPMed 0.00001; ESP Exome Variant Server 0.00008.
gnomAD v4.1: 1 of 1,613,670 alleles (0.000062%); highest among the groups gnomAD compares: African/African-American, 0.0013%; no homozygotes.

Submissions (3):

Ambry Genetics
Classification: Uncertain significance for Inborn genetic diseases. Last evaluated: 2025-08-31. Review status: criteria provided, single submitter. Criteria: Ambry Variant Classification Scheme 2023. Collection method: clinical testing. Allele origin: germline.

Labcorp Genetics (formerly Invitae), Labcorp
Classification: Uncertain significance. Last evaluated: 2024-10-15. Review status: criteria provided, single submitter. Criteria: Invitae Variant Classification Sherloc (09022015). Collection method: clinical testing. Allele origin: germline.
Comment: This sequence change replaces glutamine, which is neutral and polar, with arginine, which is basic and polar, at codon 262 of the PIGV protein (p.Gln262Arg). This variant is present in population databases (rs374660153, gnomAD 0.0009%). This variant has not been reported in the literature in individuals affected with PIGV-related conditions. ClinVar contains an entry for this variant (Variation ID: 1900506). Invitae Evidence Modeling of protein sequence and biophysical properties (such as structural, functional, and spatial information, amino acid conservation, physicochemical variation, residue mobility, and thermodynamic stability) indicates that this missense variant is not expected to disrupt PIGV protein function with a negative predictive value of 95%. In summary, the available evidence is currently insufficient to determine the role of this variant in disease. Therefore, it has been classified as a Variant of Uncertain Significance.

GeneDx
Classification: Uncertain significance. Last evaluated: 2023-12-05. Review status: criteria provided, single submitter. Criteria: GeneDx Variant Classification Process June 2021. Collection method: clinical testing. Allele origin: germline. Affected: yes.
Comment: Not observed at significant frequency in large population cohorts (gnomAD); In silico analysis supports that this missense variant does not alter protein structure/function; Has not been previously published as pathogenic or benign to our knowledge